The following is an entry in ClinVar:

ClinVar aggregate classification (germline): Pathogenic (1 of 4 stars; one submission).

Conditions:
Breast-ovarian cancer, familial, susceptibility to, 1 (BROVCA1). Also called: BRCA1 Hereditary Breast and Ovarian Cancer; OVARIAN CANCER, SUSCEPTIBILITY TO. Identifiers: Orphanet 145, MedGen C2676676, MONDO:0011450, OMIM 604370. Disease mechanism: loss of function.

Submission:

Myriad Genetics, Inc.
Classification: Pathogenic for Breast-ovarian cancer, familial, susceptibility to, 1. Last evaluated: 2024-07-18. Review status: criteria provided, single submitter. Criteria: Myriad Autosomal Dominant, Autosomal Recessive and X-Linked Classification Criteria (2023). Collection method: clinical testing. Allele origin: unknown.
Comment: This variant is considered pathogenic. This variant creates a frameshift predicted to result in premature protein truncation.

NM_007294.4(BRCA1):c.5024_5025insGAGCCGAATTGGTATATAGTTTAAACAAAACGAATGATTTC (p.Thr1675_Leu1676insSerArgIleGlyIleTer)

Gene: BRCA1 (BRCA1 DNA repair associated; minus strand). Cytogenetic location: 17q21.31.
Variant type: Insertion.
Coding change: c.5024_5025insGAGCCGAATTGGTATATAGTTTAAACAAAACGAATGATTTC on transcript NM_007294.4 (MANE Select); coding-DNA positions 5024 to 5025, GAGCCGAATTGGTATATAGTTTAAACAAAACGAATGATTTC inserted.
Protein change: p.Thr1675_Leu1676insSerArgIleGlyIleTer.
Molecular consequence: nonsense. On other transcripts: intron variant (1).
Genome position: GRCh38: chr17:43,067,658-43,067,659. GRCh37 (hg19): chr17:41,219,675-41,219,676.
Other names: c.4877_4878insGAGCCGAATTGGTATATAGTTTAAACAAAACGAATGATTTC, p.Thr1626_Leu1627insSerArgIleGlyIleTer (NM_001407851.1, NM_001407852.1, NM_001407853.1 and 12 more transcripts); c.5024_5025insGAGCCGAATTGGTATATAGTTTAAACAAAACGAATGATTTC, p.Thr1675_Leu1676insSerArgIleGlyIleTer (NM_001407854.1, NM_001407593.1, NM_001407594.1 and 8 more transcripts); c.5021_5022insGAGCCGAATTGGTATATAGTTTAAACAAAACGAATGATTTC, p.Thr1674_Leu1675insSerArgIleGlyIleTer (NM_001407858.1, NM_001407859.1, NM_001407860.1 and 17 more transcripts); c.5018_5019insGAGCCGAATTGGTATATAGTTTAAACAAAACGAATGATTTC, p.Thr1673_Leu1674insSerArgIleGlyIleTer (NM_001407861.1, NM_001407627.1, NM_001407640.1 and 14 more transcripts); c.4823_4824insGAGCCGAATTGGTATATAGTTTAAACAAAACGAATGATTTC, p.Thr1608_Leu1609insSerArgIleGlyIleTer (NM_001407862.1); c.4898_4899insGAGCCGAATTGGTATATAGTTTAAACAAAACGAATGATTTC, p.Thr1633_Leu1634insSerArgIleGlyIleTer (NM_001407863.1, NM_001407670.1, NM_001407671.1 and 11 more transcripts); c.4817_4818insGAGCCGAATTGGTATATAGTTTAAACAAAACGAATGATTTC, p.Thr1606_Leu1607insSerArgIleGlyIleTer (NM_001407874.1, NM_001407875.1); c.4811_4812insGAGCCGAATTGGTATATAGTTTAAACAAAACGAATGATTTC, p.Thr1604_Leu1605insSerArgIleGlyIleTer (NM_001407571.1, NM_001407894.1, NM_001407895.1 and 12 more transcripts); and 71 more.
Identifiers: ClinVar variation 3379247 (VCV003379247.1).